The following is an entry in ClinVar:

ClinVar aggregate classification (germline): Uncertain significance (1 of 4 stars; one submission).

Allele frequency attached by ClinVar (database versions not stated): ExAC 0.00001; gnomAD exomes 0.00001.
gnomAD v4.1: 7 of 1,198,545 alleles (0.00058%); highest among the groups gnomAD compares: South Asian, 0.0035%; no homozygotes.

Submission:

Labcorp Genetics (formerly Invitae), Labcorp
Classification: Uncertain significance. Last evaluated: 2023-11-13. Review status: criteria provided, single submitter. Criteria: Invitae Variant Classification Sherloc (09022015). Collection method: clinical testing. Allele origin: germline.
Comment: This sequence change replaces arginine, which is basic and polar, with glutamine, which is neutral and polar, at codon 916 of the POLA1 protein (p.Arg916Gln). The frequency data for this variant in the population databases is considered unreliable, as metrics indicate poor data quality at this position in the gnomAD database. This variant has not been reported in the literature in individuals affected with POLA1-related conditions. Advanced modeling of protein sequence and biophysical properties (such as structural, functional, and spatial information, amino acid conservation, physicochemical variation, residue mobility, and thermodynamic stability) has been performed at Invitae for this missense variant, however the output from this modeling did not meet the statistical confidence thresholds required to predict the impact of this variant on POLA1 protein function. In summary, the available evidence is currently insufficient to determine the role of this variant in disease. Therefore, it has been classified as a Variant of Uncertain Significance.

NM_001330360.2(POLA1):c.2765G>A (p.Arg922Gln)

Gene: POLA1 (DNA polymerase alpha 1, catalytic subunit; plus strand). Cytogenetic location: Xp22.11.
Variant type: single nucleotide variant.
Coding change: c.2765G>A on transcript NM_001330360.2 (MANE Select); coding-DNA position 2765, G replaced by A.
Protein change: p.Arg922Gln; replaces arginine 922 with glutamine.
Molecular consequence: missense variant. On other transcripts: non-coding transcript variant (2).
Genome position (GRCh38, 1-based): chrX:24,748,384, G>A. VCF-style: chrX-24748384-G-A. GRCh37 (hg19) VCF-style: chrX-24766501-G-A.
Other names: c.2690G>A, p.Arg897Gln (NM_001378303.1); c.2747G>A, p.Arg916Gln (NM_016937.4); short protein forms R922Q, R916Q, R897Q.
Identifiers: ClinVar variation 2959096 (VCV002959096.3), dbSNP rs771556456, ClinGen allele CA10373292.